The following is an entry in ClinVar:

NM_000088.4(COL1A1):c.4092G>C (p.Gln1364His)

Gene: COL1A1 (collagen type I alpha 1 chain; minus strand). Cytogenetic location: 17q21.33.
Variant type: single nucleotide variant.
Coding change: c.4092G>C on transcript NM_000088.4 (MANE Select); coding-DNA position 4092, G replaced by C.
Protein change: p.Gln1364His; replaces glutamine 1364 with histidine.
Molecular consequence: missense variant.
Genome position (GRCh38, 1-based): chr17:50,185,934, C>G on the plus strand (G>C on the coding strand, the complement: COL1A1 is on the minus strand). VCF-style: chr17-50185934-C-G. GRCh37 (hg19) VCF-style: chr17-48263295-C-G.
Other names: short protein forms Q1364H.
Identifiers: ClinVar variation 4795374 (VCV004795374.1).

ClinVar aggregate classification (germline): Uncertain significance (1 of 4 stars; one submission).

Submission:

GeneDx
Classification: Uncertain significance. Last evaluated: 2025-08-14. Review status: criteria provided, single submitter. Criteria: GeneDx Variant Classification Process June 2021. Collection method: clinical testing. Allele origin: germline. Affected: yes.
Comment: Not observed at significant frequency in large population cohorts (gnomAD); In silico analysis supports that this missense variant has a deleterious effect on protein structure/function; This variant is associated with the following publications: (PMID: 27509835)